The following is an entry in ClinVar:

NM_153460.4(IL17RC):c.44G>A (p.Ser15Asn)

Gene: IL17RC (interleukin 17 receptor C; plus strand). Cytogenetic location: 3p25.3.
Variant type: single nucleotide variant.
Coding change: c.44G>A on transcript NM_153460.4 (MANE Select); coding-DNA position 44, G replaced by A.
Protein change: p.Ser15Asn; replaces serine 15 with asparagine.
Molecular consequence: missense variant. On other transcripts: non-coding transcript variant (1).
Genome position (GRCh38, 1-based): chr3:9,917,359, G>A. VCF-style: chr3-9917359-G-A. GRCh37 (hg19) VCF-style: chr3-9959043-G-A.
Other names: c.44G>A, p.Ser15Asn (NM_001203263.2, NM_001203264.2, NM_001203265.2 and 5 more transcripts); short protein forms S15N.
Identifiers: ClinVar variation 1503784 (VCV001503784.8), dbSNP rs2125112257, ClinGen allele CA351752907.

ClinVar aggregate classification (germline): Uncertain significance (1 of 4 stars; one submission).

Conditions:
Candidiasis, familial, 9 (CANDF9). Identifiers: Orphanet 1334, MedGen C4225324, MONDO:0014642, OMIM 616445.

Submission:

Labcorp Genetics (formerly Invitae), Labcorp
Classification: Uncertain significance for Candidiasis, familial, 9. Last evaluated: 2021-07-06. Review status: criteria provided, single submitter. Criteria: Invitae Variant Classification Sherloc (09022015). Collection method: clinical testing. Allele origin: germline.
Comment: This sequence change replaces serine with asparagine at codon 15 of the IL17RC protein (p.Ser15Asn). The serine residue is moderately conserved and there is a small physicochemical difference between serine and asparagine. This variant is not present in population databases (ExAC no frequency). This variant has not been reported in the literature in individuals affected with IL17RC-related conditions. Algorithms developed to predict the effect of missense changes on protein structure and function output the following: SIFT: "Tolerated"; PolyPhen-2: "Benign"; Align-GVGD: "Class C0". The asparagine amino acid residue is found in multiple mammalian species, which suggests that this missense change does not adversely affect protein function. In summary, the available evidence is currently insufficient to determine the role of this variant in disease. Therefore, it has been classified as a Variant of Uncertain Significance.